The following is an entry in ClinVar:

ClinVar aggregate classification (germline): Uncertain significance (1 of 4 stars; one submission).

Conditions:
Early-infantile DEE. Also called: Ohtahara syndrome; Early infantile epileptic encephalopathy with suppression bursts; Early infantile epileptic encephalopathy. Identifiers: Orphanet 1934, MedGen C0393706, MONDO:0800491.

gnomAD v4.1: 1 of 1,613,336 alleles (0.000062%); highest among the groups gnomAD compares: Non-Finnish European, 0.000085%; no homozygotes.

Submission:

Labcorp Genetics (formerly Invitae), Labcorp
Classification: Uncertain significance for Early-infantile DEE. Last evaluated: 2024-10-16. Review status: criteria provided, single submitter. Criteria: Invitae Variant Classification Sherloc (09022015). Collection method: clinical testing. Allele origin: germline.
Comment: This sequence change replaces proline, which is neutral and non-polar, with leucine, which is neutral and non-polar, at codon 706 of the HCN1 protein (p.Pro706Leu). This variant is not present in population databases (gnomAD no frequency). This variant has not been reported in the literature in individuals affected with HCN1-related conditions. Invitae Evidence Modeling of protein sequence and biophysical properties (such as structural, functional, and spatial information, amino acid conservation, physicochemical variation, residue mobility, and thermodynamic stability) indicates that this missense variant is not expected to disrupt HCN1 protein function with a negative predictive value of 95%. In summary, the available evidence is currently insufficient to determine the role of this variant in disease. Therefore, it has been classified as a Variant of Uncertain Significance.

NM_021072.4(HCN1):c.2117C>T (p.Pro706Leu)

Gene: HCN1 (hyperpolarization activated cyclic nucleotide gated potassium channel 1; minus strand). Cytogenetic location: 5p12.
Variant type: single nucleotide variant.
Coding change: c.2117C>T on transcript NM_021072.4 (MANE Select); coding-DNA position 2117, C replaced by T.
Protein change: p.Pro706Leu; replaces proline 706 with leucine.
Molecular consequence: missense variant.
Genome position (GRCh38, 1-based): chr5:45,262,477, G>A on the plus strand (C>T on the coding strand, the complement: HCN1 is on the minus strand). VCF-style: chr5-45262477-G-A. GRCh37 (hg19) VCF-style: chr5-45262579-G-A.
Other names: short protein forms P706L.
Identifiers: ClinVar variation 3682606 (VCV003682606.2).
Genomic context (GRCh38, chr5:45,262,477, plus strand): 5'-TGGGAGGCGGTGGGGGAGGCATAGTGGAAAGTTCGAGCGGCCAGAGGGCTCTGTACAGGA[G>A]GGCTGCAGACCGCGGTGGTGTAGGAGCAGGGTGACAGGATGGCTGATGGCTGGGGGGTCT-3'
Protein context (NP_066550.2, residues 696-716): PCSYTTAVCS[Pro706Leu]PVQSPLAART